The following is an entry in ClinVar:

NM_006206.6(PDGFRA):c.1354G>T (p.Asp452Tyr)

Gene: PDGFRA (platelet derived growth factor receptor alpha; plus strand). Cytogenetic location: 4q12.
Variant type: single nucleotide variant.
Coding change: c.1354G>T on transcript NM_006206.6 (MANE Select); coding-DNA position 1354, G replaced by T.
Protein change: p.Asp452Tyr; replaces aspartic acid 452 with tyrosine.
Molecular consequence: missense variant.
Genome position (GRCh38, 1-based): chr4:54,272,510, G>T. VCF-style: chr4-54272510-G-T. GRCh37 (hg19) VCF-style: chr4-55138677-G-T.
Other names: c.1354G>T, p.Asp452Tyr (NM_001347827.2, NM_001347829.2); c.1429G>T, p.Asp477Tyr (NM_001347828.2); c.1393G>T, p.Asp465Tyr (NM_001347830.2); short protein forms D452Y, D465Y, D477Y.
Identifiers: ClinVar variation 573711 (VCV000573711.13), dbSNP rs1204540280, ClinGen allele CA356892377.

ClinVar aggregate classification (germline): Uncertain significance. Review status: criteria provided, multiple submitters, no conflicts (2 of 4 stars). 2 submissions from 2 submitters: Uncertain significance (2). Last evaluated 2025-11-09.

Conditions:
Hereditary cancer-predisposing syndrome. Also called: Hereditary Cancer Syndrome; Tumor predisposition; Neoplastic Syndromes, Hereditary; Hereditary neoplastic syndrome. Identifiers: Orphanet 140162, MedGen C0027672, MeSH D009386, MONDO:0015356.
Gastrointestinal stromal tumor. Also called: Gastrointestinal stromal tumor, somatic; Gastrointestinal stroma tumor. Identifiers: Orphanet 44890, MedGen C0238198, MeSH D046152, MONDO:0011719, OMIM 606764, HP:0100723.

Allele frequency attached by ClinVar (database versions not stated): gnomAD exomes below 0.00001; TOPMed below 0.00001; gnomAD 0.00001.
gnomAD v4.1: 9 of 1,613,900 alleles (0.00056%); highest among the groups gnomAD compares: Non-Finnish European, 0.00068%; no homozygotes.

Submissions (2):

Labcorp Genetics (formerly Invitae), Labcorp
Classification: Uncertain significance for Gastrointestinal stromal tumor. Last evaluated: 2025-11-09. Review status: criteria provided, single submitter. Criteria: Invitae Variant Classification Sherloc (09022015). Collection method: clinical testing. Allele origin: germline.
Comment: This sequence change replaces aspartic acid, which is acidic and polar, with tyrosine, which is neutral and polar, at codon 452 of the PDGFRA protein (p.Asp452Tyr). This variant is present in population databases (no rsID available, gnomAD 0.0009%). This variant has not been reported in the literature in individuals affected with PDGFRA-related conditions. ClinVar contains an entry for this variant (Variation ID: 573711). Invitae Evidence Modeling of protein sequence and biophysical properties (such as structural, functional, and spatial information, amino acid conservation, physicochemical variation, residue mobility, and thermodynamic stability) indicates that this missense variant is not expected to disrupt PDGFRA protein function with a negative predictive value of 80%. In summary, the available evidence is currently insufficient to determine the role of this variant in disease. Therefore, it has been classified as a Variant of Uncertain Significance.

Ambry Genetics
Classification: Uncertain significance for Hereditary cancer-predisposing syndrome. Last evaluated: 2025-04-18. Review status: criteria provided, single submitter. Criteria: Ambry Variant Classification Scheme 2023. Collection method: clinical testing. Allele origin: germline.
Comment: The p.D452Y variant (also known as c.1354G>T), located in coding exon 8 of the PDGFRA gene, results from a G to T substitution at nucleotide position 1354. The aspartic acid at codon 452 is replaced by tyrosine, an amino acid with highly dissimilar properties. This amino acid position is well conserved in available vertebrate species. In addition, the in silico prediction for this alteration is inconclusive. Since supporting evidence is limited at this time, the clinical significance of this alteration remains unclear.